The following is an entry in ClinVar:

ClinVar aggregate classification (germline): Conflicting classifications of pathogenicity. Review status: criteria provided, conflicting classifications (1 of 4 stars). 10 submissions from 9 submitters: Uncertain significance (1); Benign (2); Likely benign (7). Last evaluated 2026-01-13.

Conditions:
Prostate cancer. Also called: Malignant tumor of prostate. Identifiers: Orphanet 1331, MedGen C0376358, MONDO:0008315, HP:0012125.
Hereditary cancer-predisposing syndrome. Also called: Hereditary neoplastic syndrome; Hereditary Cancer Syndrome; Neoplastic Syndromes, Hereditary; Tumor predisposition. Identifiers: Orphanet 140162, MedGen C0027672, MeSH D009386, MONDO:0015356.
Hereditary diffuse gastric adenocarcinoma (HDGC). Also called: DIFFUSE GASTRIC AND LOBULAR BREAST CANCER SYNDROME. Identifiers: Orphanet 26106, MedGen C1708349, MONDO:0007648, OMIM 137215.

Allele frequency attached by ClinVar (database versions not stated): gnomAD 0.00003; ESP Exome Variant Server 0.00008; TOPMed 0.00005.
gnomAD v4.1: 18 of 1,613,576 alleles (0.0011%); highest among the groups gnomAD compares: African/African-American, 0.011%; no homozygotes.

Submissions (10):

Labcorp Genetics (formerly Invitae), Labcorp
Classification: Likely benign for Hereditary diffuse gastric adenocarcinoma. Last evaluated: 2026-01-13. Review status: criteria provided, single submitter. Criteria: Invitae Variant Classification Sherloc (09022015). Collection method: clinical testing. Allele origin: germline.

Quest Diagnostics Nichols Institute San Juan Capistrano
Classification: Likely benign. Last evaluated: 2025-03-26. Review status: criteria provided, single submitter. Criteria: Quest Diagnostics criteria. Collection method: clinical testing. Allele origin: unknown.

KCCC/NGS Laboratory, Kuwait Cancer Control Center
Classification: Benign for Hereditary diffuse gastric adenocarcinoma. Last evaluated: 2025-02-01. Review status: criteria provided, single submitter. Criteria: ACMG Guidelines, 2015. Collection method: clinical testing. Allele origin: germline. Affected: no.

Myriad Genetics, Inc.
Classification: Benign for Hereditary diffuse gastric adenocarcinoma. Last evaluated: 2024-09-16. Review status: criteria provided, single submitter. Criteria: Myriad Autosomal Dominant, Autosomal Recessive and X-Linked Classification Criteria (2023). Collection method: clinical testing. Allele origin: unknown.
Comment: This variant is considered benign. This variant is a silent/synonymous amino acid change and it is not expected to impact splicing.

KCCC/NGS Laboratory, Kuwait Cancer Control Center
Classification: Likely benign for Familial prostate cancer. Last evaluated: 2023-07-07. Review status: criteria provided, single submitter. Criteria: ACMG Guidelines, 2015. Collection method: clinical testing. Allele origin: germline. Affected: yes.

European Reference Network on Genetic Tumour Risk Syndromes (ERN-GENTURIS), i3s - Instituto de Investigação e Inovação em Saúde, University of Porto
Classification: Uncertain significance for Hereditary diffuse gastric adenocarcinoma. Last evaluated: 2022-08-01. Review status: criteria provided, single submitter. Criteria: Lee et al. (Hum Mutat. 2018). Collection method: clinical testing. Allele origin: germline. Inheritance: Autosomal dominant inheritance. Affected: no. Study: ERN GENTURIS.
Comment: BP7 (PMID: 30311375)

Sema4
Classification: Likely benign for Hereditary cancer-predisposing syndrome. Last evaluated: 2020-11-10. Review status: criteria provided, single submitter. Criteria: Sema4 Curation Guidelines. Collection method: curation. Allele origin: germline.

GeneDx
Classification: Likely benign. Last evaluated: 2017-06-28. Review status: criteria provided, single submitter. Criteria: GeneDx Variant Classification (06012015). Collection method: clinical testing. Allele origin: germline. Affected: yes.
Comment: This variant is considered likely benign or benign based on one or more of the following criteria: it is a conservative change, it occurs at a poorly conserved position in the protein, it is predicted to be benign by multiple in silico algorithms, and/or has population frequency not consistent with disease.

Ambry Genetics
Classification: Likely benign for Hereditary cancer-predisposing syndrome. Last evaluated: 2016-07-08. Review status: criteria provided, single submitter. Criteria: Ambry Variant Classification Scheme 2023. Collection method: clinical testing. Allele origin: germline.

Color Diagnostics, LLC DBA Color Health
Classification: Likely benign for Hereditary cancer-predisposing syndrome. Last evaluated: 2015-11-03. Review status: criteria provided, single submitter. Criteria: ACMG Guidelines, 2015. Collection method: clinical testing. Allele origin: germline.

Literature cited by the submitters: PubMed 36436516 (cited by Quest Diagnostics Nichols Institute San Juan Capistrano and European Reference Network on Genetic Tumour Risk Syndromes (ERN-GENTURIS), i3s - Instituto de Investigação e Inovação em Saúde, University of Porto); PubMed 30287823 (cited by Quest Diagnostics Nichols Institute San Juan Capistrano).

NM_004360.5(CDH1):c.759C>T (p.Thr253=)

Gene: CDH1 (cadherin 1; plus strand). Cytogenetic location: 16q22.1.
Variant type: single nucleotide variant.
Coding change: c.759C>T on transcript NM_004360.5 (MANE Select); coding-DNA position 759, C replaced by T.
Protein change: p.Thr253=; no amino-acid change (threonine 253 retained).
Molecular consequence: synonymous variant. On other transcripts: 5 prime UTR variant (2).
Genome position (GRCh38, 1-based): chr16:68,810,268, C>T. VCF-style: chr16-68810268-C-T. GRCh37 (hg19) VCF-style: chr16-68844171-C-T.
Other names: c.759C>T (LRG_301t1); c.759C>T, p.Thr253= (NM_001317184.2); c.-857C>T (NM_001317185.2); c.-1061C>T (NM_001317186.2).
Identifiers: ClinVar variation 220520 (VCV000220520.25), dbSNP rs372934565, ClinGen allele CA348870.